The following is an entry in ClinVar:

ClinVar aggregate classification (germline): Likely benign (0 of 4 stars; one submission).

Conditions:
DNAH2-related disorder. Also called: DNAH2-related condition.

Allele frequency attached by ClinVar (database versions not stated): ExAC 0.00001.
gnomAD v4.1: 28 of 1,613,376 alleles (0.0017%); highest among the groups gnomAD compares: Non-Finnish European, 0.0024%; no homozygotes.

Submission:

PreventionGenetics, part of Exact Sciences
Classification: Likely benign for DNAH2-related condition. Last evaluated: 2019-09-17. Review status: no assertion criteria provided. Collection method: clinical testing. Allele origin: germline.
Comment: This variant is classified as likely benign based on ACMG/AMP sequence variant interpretation guidelines (Richards et al. 2015 PMID: 25741868, with internal and published modifications).

NM_020877.5(DNAH2):c.7128T>C (p.Ser2376=)

Gene: DNAH2 (dynein axonemal heavy chain 2; plus strand). Cytogenetic location: 17p13.1.
Variant type: single nucleotide variant.
Coding change: c.7128T>C on transcript NM_020877.5 (MANE Select); coding-DNA position 7128, T replaced by C.
Protein change: p.Ser2376=; no amino-acid change (serine 2376 retained).
Molecular consequence: synonymous variant.
Genome position (GRCh38, 1-based): chr17:7,792,326, T>C. VCF-style: chr17-7792326-T-C. GRCh37 (hg19) VCF-style: chr17-7695644-T-C.
Identifiers: ClinVar variation 3040824 (VCV003040824.2), dbSNP rs757331582, ClinGen allele CA8357970.